The following is an entry in ClinVar:

ClinVar aggregate classification (germline): Uncertain significance (1 of 4 stars; one submission).

Conditions:
Hereditary cancer-predisposing syndrome. Also called: Neoplastic Syndromes, Hereditary; Hereditary Cancer Syndrome; Tumor predisposition; Hereditary neoplastic syndrome. Identifiers: Orphanet 140162, MedGen C0027672, MeSH D009386, MONDO:0015356.

Submission:

Ambry Genetics
Classification: Uncertain significance for Hereditary cancer-predisposing syndrome. Last evaluated: 2016-09-08. Review status: criteria provided, single submitter. Criteria: Ambry Variant Classification Scheme 2023. Collection method: clinical testing. Allele origin: germline.
Comment: The p.A2562T variant (also known as c.7684G>A), located in coding exon 51 of the ATM gene, results from a G to A substitution at nucleotide position 7684. The alanine at codon 2562 is replaced by threonine, an amino acid with similar properties. This variant was not reported in population based cohorts in the following databases: Database of Single Nucleotide Polymorphisms (dbSNP), NHLBI Exome Sequencing Project (ESP), and 1000 Genomes Project. In the ESP, this variant was not observed in 6499 samples (12998 alleles) with coverage at this position.To date, this alteration has been detected with an allele frequency of approximately 0.001% (greater than 180000 alleles tested) in our clinical cohort. This amino acid position is highly conserved in available vertebrate species. In addition, the in silico prediction for this alteration is inconclusive. Since supporting evidence is limited at this time, the clinical significance of this alteration remains unclear.

NM_000051.4(ATM):c.7684G>A (p.Ala2562Thr)

Genes: C11orf65 (chromosome 11 open reading frame 65; minus strand), ATM (ATM serine/threonine kinase; plus strand). Cytogenetic location: 11q22.3.
Variant type: single nucleotide variant.
Coding change: c.7684G>A on transcript NM_000051.4 (MANE Select); coding-DNA position 7684, G replaced by A.
Protein change: p.Ala2562Thr; replaces alanine 2562 with threonine.
Molecular consequence: missense variant. On other transcripts: intron variant (2).
Genome position (GRCh38, 1-based): chr11:108,331,933, G>A. VCF-style: chr11-108331933-G-A. GRCh37 (hg19) VCF-style: chr11-108202660-G-A.
Other names: c.7684G>A, p.Ala2562Thr (NM_001351834.2); c.641-22862C>T (NM_001330368.2); c.*38+3287C>T (NM_001351110.2); short protein forms A2562T.
Identifiers: ClinVar variation 481284 (VCV000481284.7), dbSNP rs1555124521, ClinGen allele CA382561001.